The following is an entry in ClinVar:

NM_001287491.2(TET3):c.2921A>G (p.Asn974Ser)

Gene: TET3 (tet methylcytosine dioxygenase 3; plus strand). Cytogenetic location: 2p13.1.
Variant type: single nucleotide variant.
Coding change: c.2921A>G on transcript NM_001287491.2 (MANE Select); coding-DNA position 2921, A replaced by G.
Protein change: p.Asn974Ser; replaces asparagine 974 with serine.
Molecular consequence: missense variant.
Genome position (GRCh38, 1-based): chr2:74,089,929, A>G. VCF-style: chr2-74089929-A-G. GRCh37 (hg19) VCF-style: chr2-74317056-A-G.
Other names: c.2642A>G, p.Asn881Ser (NM_001366022.1); short protein forms N974S, N881S.
Identifiers: ClinVar variation 4733219 (VCV004733219.1).

ClinVar aggregate classification (germline): Uncertain significance (1 of 4 stars; one submission).

Submission:

Labcorp Genetics (formerly Invitae), Labcorp
Classification: Uncertain significance. Last evaluated: 2025-12-14. Review status: criteria provided, single submitter. Criteria: Invitae Variant Classification Sherloc (09022015). Collection method: clinical testing. Allele origin: germline.
Comment: This sequence change replaces asparagine, which is neutral and polar, with serine, which is neutral and polar, at codon 974 of the TET3 protein (p.Asn974Ser). This variant is not present in population databases (gnomAD no frequency). This variant has not been reported in the literature in individuals affected with TET3-related conditions. An algorithm developed to predict the effect of missense changes on protein structure and function outputs the following: PolyPhen-2: "Not Available". The serine amino acid residue is found in multiple mammalian species, which suggests that this missense change does not adversely affect protein function. In summary, the available evidence is currently insufficient to determine the role of this variant in disease. Therefore, it has been classified as a Variant of Uncertain Significance.